The following is an entry in ClinVar:

ClinVar aggregate classification (germline): Uncertain significance (1 of 4 stars; one submission).

Conditions:
Hereditary cancer-predisposing syndrome. Also called: Neoplastic Syndromes, Hereditary; Tumor predisposition; Hereditary Cancer Syndrome; Hereditary neoplastic syndrome. Identifiers: Orphanet 140162, MedGen C0027672, MeSH D009386, MONDO:0015356.

Submission:

Ambry Genetics
Classification: Uncertain significance for Hereditary cancer-predisposing syndrome. Last evaluated: 2025-09-20. Review status: criteria provided, single submitter. Criteria: Ambry Variant Classification Scheme 2023. Collection method: clinical testing. Allele origin: germline.
Comment: The p.A658V variant (also known as c.1973C>T), located in coding exon 14 of the MSH3 gene, results from a C to T substitution at nucleotide position 1973. The alanine at codon 658 is replaced by valine, an amino acid with similar properties. This amino acid position is conserved. In addition, the in silico prediction for this alteration is inconclusive. Based on the available evidence, the clinical significance of this variant remains unclear.

NM_002439.5(MSH3):c.1973C>T (p.Ala658Val)

Gene: MSH3 (mutS homolog 3; plus strand). Cytogenetic location: 5q14.1.
Variant type: single nucleotide variant.
Coding change: c.1973C>T on transcript NM_002439.5 (MANE Select); coding-DNA position 1973, C replaced by T.
Protein change: p.Ala658Val; replaces alanine 658 with valine.
Molecular consequence: missense variant.
Genome position (GRCh38, 1-based): chr5:80,768,009, C>T. VCF-style: chr5-80768009-C-T. GRCh37 (hg19) VCF-style: chr5-80063828-C-T.
Other names: short protein forms A658V.
Identifiers: ClinVar variation 4654208 (VCV004654208.1).
Genomic context (GRCh38, chr5:80,768,009, plus strand): 5'-TCTTCTTGATTGTCAAAACTTTATATCACCTAAAGTCAGAATTTCAAGCAATAATACCTG[C>T]TGTTAATTCCCACATTCAGTCAGACTTGCTCCGGACCGTTATTTTAGAAATTCCTGAACT-3'
Protein context (NP_002430.3, residues 648-668): LKSEFQAIIP[Ala658Val]VNSHIQSDLL